The following is an entry in ClinVar:

NM_000797.4(DRD4):c.732T>C (p.Pro244=)

Gene: DRD4 (dopamine receptor D4; plus strand). Cytogenetic location: 11p15.5.
Variant type: single nucleotide variant.
Coding change: c.732T>C on transcript NM_000797.4 (MANE Select); coding-DNA position 732, T replaced by C.
Protein change: p.Pro244=; no amino-acid change (proline 244 retained).
Molecular consequence: synonymous variant.
Genome position (GRCh38, 1-based): chr11:639,981, T>C. VCF-style: chr11-639981-T-C. GRCh37 (hg19) VCF-style: chr11-639981-T-C.
Identifiers: ClinVar variation 775292 (VCV000775292.27), dbSNP rs1259738013, ClinGen allele CA472436691.

ClinVar aggregate classification (germline): Likely benign. Review status: criteria provided, multiple submitters, no conflicts (2 of 4 stars). 2 submissions from 2 submitters: Likely benign (2). Last evaluated 2023-05-01.

Allele frequency attached by ClinVar (database versions not stated): gnomAD exomes below 0.00001.

Submissions (2):

CeGaT Center for Human Genetics Tuebingen
Classification: Likely benign. Last evaluated: 2023-05-01. Review status: criteria provided, single submitter. Criteria: CeGaT Center For Human Genetics Tuebingen Variant Classification Criteria Version 2. Collection method: clinical testing. Allele origin: germline. Affected: yes. Observed: 1 variant allele.
Comment: DRD4: BP4, BP7

Labcorp Genetics (formerly Invitae), Labcorp
Classification: Likely benign. Last evaluated: 2017-06-06. Review status: criteria provided, single submitter. Criteria: Invitae Variant Classification Sherloc (09022015). Collection method: clinical testing. Allele origin: germline.